The following is an entry in ClinVar:

NM_001384900.1(SEMA3D):c.774T>C (p.Asp258=)

Gene: SEMA3D (semaphorin 3D; minus strand). Cytogenetic location: 7q21.11.
Variant type: single nucleotide variant.
Coding change: c.774T>C on transcript NM_001384900.1 (MANE Select); coding-DNA position 774, T replaced by C.
Protein change: p.Asp258=; no amino-acid change (aspartic acid 258 retained).
Molecular consequence: synonymous variant.
Genome position (GRCh38, 1-based): chr7:85,055,804, A>G on the plus strand (T>C on the coding strand, the complement: SEMA3D is on the minus strand). VCF-style: chr7-85055804-A-G. GRCh37 (hg19) VCF-style: chr7-84685120-A-G.
Other names: c.774T>C, p.Asp258= (NM_001384901.1, NM_001384902.1, NM_001384903.1 and 1 more transcripts).
Identifiers: ClinVar variation 790045 (VCV000790045.6), dbSNP rs34801275, ClinGen allele CA4323638.
Genomic context (GRCh38, chr7:85,055,804, plus strand): 5'-GATGGTTTTATCGGAGGTACTGCCTTCTTGAGATGATTCACGAAAGAAGAAATATATTTT[A>G]TCATCATCTGGATTGTAGGTGTCTGGTATGAAGAAAGTTCCAATAAATTTTGCTCCTGTT-3'
Protein context (NP_001371829.1, residues 248-268): FIPDTYNPDD[Asp258=]KIYFFFRESS

ClinVar aggregate classification (germline): Benign. Review status: criteria provided, single submitter (1 of 4 stars). 2 submissions from 2 submitters: Benign (1). 1 of the submissions does not count toward it. Last evaluated 2019-12-31.

Conditions:
SEMA3D-related disorder. Also called: SEMA3D-related condition.

Allele frequency attached by ClinVar (database versions not stated): gnomAD exomes 0.00172 and 0.00465; ExAC 0.00601; 1000 Genomes Project 0.01558; 1000 Genomes Project 30x 0.01749; gnomAD 0.01765 and 0.01912; TOPMed 0.01975; ESP Exome Variant Server 0.02130.
gnomAD v4.1: 5,207 of 1,576,092 alleles (0.33%); highest among the groups gnomAD compares: African/African-American, 6%; 152 homozygotes.

Submissions (2):

Labcorp Genetics (formerly Invitae), Labcorp
Classification: Benign. Last evaluated: 2019-12-31. Review status: criteria provided, single submitter. Criteria: Invitae Variant Classification Sherloc (09022015). Collection method: clinical testing. Allele origin: germline.

PreventionGenetics, part of Exact Sciences
Classification: Benign for SEMA3D-related condition. Last evaluated: 2019-05-20. Review status: no assertion criteria provided. Collection method: clinical testing. Allele origin: germline. Not counted in ClinVar's aggregate classification.
Comment: This variant is classified as benign based on ACMG/AMP sequence variant interpretation guidelines (Richards et al. 2015 PMID: 25741868, with internal and published modifications).